The following is an entry in ClinVar:

NM_032119.4(ADGRV1):c.3956G>A (p.Arg1319Gln)

Gene: ADGRV1 (adhesion G protein-coupled receptor V1; plus strand). Cytogenetic location: 5q14.3.
Variant type: single nucleotide variant.
Coding change: c.3956G>A on transcript NM_032119.4 (MANE Select); coding-DNA position 3956, G replaced by A.
Protein change: p.Arg1319Gln; replaces arginine 1319 with glutamine.
Molecular consequence: missense variant. On other transcripts: non-coding transcript variant (1).
Genome position (GRCh38, 1-based): chr5:90,653,530, G>A. VCF-style: chr5-90653530-G-A. GRCh37 (hg19) VCF-style: chr5-89949347-G-A.
Other names: short protein forms R1319Q.
Identifiers: ClinVar variation 178359 (VCV000178359.35), dbSNP rs73181648, ClinGen allele CA182175.

ClinVar aggregate classification (germline): Benign/Likely benign. Review status: criteria provided, multiple submitters, no conflicts (2 of 4 stars). 9 submissions from 9 submitters: Benign (4); Likely benign (5). Last evaluated 2026-01-28.

Conditions:
Usher syndrome type 2C. Also called: Usher syndrome, type 2B; USHER SYNDROME, TYPE IIC. Identifiers: Orphanet 231178, Orphanet 886, MedGen C2931213, MONDO:0011558, OMIM 605472.

Allele frequency attached by ClinVar (database versions not stated): ExAC 0.00106; 1000 Genomes Project 0.00339; ESP Exome Variant Server 0.00353; gnomAD 0.00353 and 0.00381; TOPMed 0.00395; 1000 Genomes Project 30x 0.00406.
gnomAD v4.1: 982 of 1,613,868 alleles (0.061%); highest among the groups gnomAD compares: African/African-American, 1.2%; 8 homozygotes.

Submissions (9):

Labcorp Genetics (formerly Invitae), Labcorp
Classification: Benign. Last evaluated: 2026-01-28. Review status: criteria provided, single submitter. Criteria: Invitae Variant Classification Sherloc (09022015). Collection method: clinical testing. Allele origin: germline.

Blueprint Genetics
Classification: Likely benign. Last evaluated: 2024-09-11. Review status: criteria provided, single submitter. Criteria: ACMG Guidelines, 2015. Collection method: clinical testing. Allele origin: germline.

ARUP Laboratories, Molecular Genetics and Genomics, ARUP Laboratories
Classification: Benign. Last evaluated: 2022-07-15. Review status: criteria provided, single submitter. Criteria: ARUP Molecular Germline Variant Investigation Process 2021. Collection method: clinical testing. Allele origin: germline.

GeneDx
Classification: Benign. Last evaluated: 2020-03-17. Review status: criteria provided, single submitter. Criteria: GeneDx Variant Classification Process June 2021. Collection method: clinical testing. Allele origin: germline. Affected: yes.
Comment: This variant is associated with the following publications: (PMID: 30180840)

Athena Diagnostics
Classification: Likely benign. Last evaluated: 2020-01-06. Review status: criteria provided, single submitter. Criteria: Athena Diagnostics Criteria. Collection method: clinical testing. Allele origin: unknown.

Illumina Laboratory Services, Illumina
Classification: Likely benign for Usher syndrome type 2C. Last evaluated: 2018-01-13. Review status: criteria provided, single submitter. Criteria: ICSL Variant Classification Criteria 13 December 2019. Collection method: clinical testing. Allele origin: germline.
Comment: This variant was observed in the ICSL laboratory as part of a predisposition screen in an ostensibly healthy population. It had not been previously curated by ICSL or reported in the Human Gene Mutation Database (HGMD: prior to June 1st, 2018), and was therefore a candidate for classification through an automated scoring system. Utilizing variant allele frequency, disease prevalence and penetrance estimates, and inheritance mode, an automated score was calculated to assess if this variant is too frequent to cause the disease. Based on the score and internal cut-off values, a variant classified as likely benign is not then subjected to further curation. The score for this variant resulted in a classification of likely benign for this disease.

Genetic Services Laboratory, University of Chicago
Classification: Likely benign. Last evaluated: 2015-04-03. Review status: criteria provided, single submitter. Criteria: ACMG Guidelines, 2015. Collection method: clinical testing. Allele origin: germline.

Laboratory for Molecular Medicine, Mass General Brigham Personalized Medicine
Classification: Benign. Last evaluated: 2012-04-30. Review status: criteria provided, single submitter. Criteria: LMM Criteria. Collection method: clinical testing. Allele origin: germline. Observed: 3 variant alleles.
Comment: Arg1319Gln in Exon 20 of GPR98: This variant is not expected to have clinical si gnificance because it has been identified in 1.1% (36/3232) of African American chromosomes from a broad population by the NHLBI Exome Sequencing Project (dbSNP rs73181648).

Breakthrough Genomics
Classification: Likely benign. Review status: criteria provided, single submitter. Criteria: ACMG Guidelines, 2015. Collection method: not provided. Allele origin: germline. Inheritance: Autosomal recessive inheritance. Affected: yes.

Literature cited by the submitters: PubMed 30180840 (cited by Athena Diagnostics).